The following is an entry in ClinVar:

ClinVar aggregate classification (germline): Uncertain significance (1 of 4 stars; one submission).

Conditions:
Deficiency of adenosine deaminase 2. Also called: Adenosine Deaminase 2 Deficiency; VASCULITIS, AUTOINFLAMMATION, IMMUNODEFICIENCY, AND HEMATOLOGIC DEFECTS SYNDROME; Polyarteritis nodosa, childhoood-onset. Identifiers: Orphanet 404553, MedGen C3887654, MONDO:0014306, OMIM 615688, MONDO:0100317.

Submission:

Victorian Clinical Genetics Services, Murdoch Childrens Research Institute
Classification: Uncertain significance. Last evaluated: 2024-10-08. Review status: criteria provided, single submitter. Criteria: ACMG Guidelines, 2015. Collection method: clinical testing. Allele origin: germline. Inheritance: Autosomal dominant inheritance. Affected: yes.
Comment: Based on the classification scheme VCGS_Germline_v1.3.4, this variant is classified as VUS-3A. Following criteria are met: 0102 - Loss of function is a known mechanism of disease in this gene and is associated with deficiency of adenosine deaminase 2 (MONDO:0100317). (I) 0106 - This gene is associated with autosomal recessive disease. (I) 0115 - Variants in this gene are known to have variable expressivity, with intrafamilial variability reported (PMID: 24552285). (I) 0200 - Variant is predicted to result in a missense amino acid change from methionine to lysine. (I) 0252 - This variant is homozygous. (I) 0301 - Variant is absent from gnomAD (both v2 and v3). (SP) 0309 - Multiple alternative amino acid changes at the same position have been observed in gnomAD (v2) (highest allele count: 8 heterozygotes, 0 homozygotes). (I) 0502 - Missense variant with conflicting in silico predictions and uninformative conservation. (I) 0600 - Variant is located in the annotated adenosine deaminase domain (DECIPHER). (I) 0710 - Other missense variants comparable to the one identified in this case have inconclusive previous evidence for pathogenicity. Two alternative changes, p.(Met445Thr) and p.(Met445Ile), have been classified as VUS in ClinVar. p.(Met445Thr) has also been observed in two unrelated compound heterozygous individuals with deficiency of adenosine deaminase (PMIDs: 28750028, 36807221). (I) 0803 - This variant has limited previous evidence of pathogenicity in an unrelated individual. This variant has been reported as homozygous in an individual with diamond blackfan anaemia (PMID: 30503522). (SP) 0905 - No published segregation evidence has been identified for this variant. (I) 1002 - This variant has moderate functional evidence supporting abnormal protein function. In vitro functional analysis showed that p.(Met445Lys) had significantly decreased ADA2 activity compared to WT (PMID: 31945408). (I) Legend: (SP) - Supporting pathogenic, (I) - Information, (SB) - Supporting benign

Literature cited by the submitters: PubMed 24552285; PubMed 28750028; PubMed 30503522; PubMed 31945408; PubMed 36807221.

NM_001282225.2(ADA2):c.1334T>A (p.Met445Lys)

Gene: ADA2 (adenosine deaminase 2; minus strand). Cytogenetic location: 22q11.1.
Variant type: single nucleotide variant.
Coding change: c.1334T>A on transcript NM_001282225.2 (MANE Select); coding-DNA position 1334, T replaced by A.
Protein change: p.Met445Lys; replaces methionine 445 with lysine.
Molecular consequence: missense variant.
Genome position (GRCh38, 1-based): chr22:17,181,928, A>T on the plus strand (T>A on the coding strand, the complement: ADA2 is on the minus strand). VCF-style: chr22-17181928-A-T. GRCh37 (hg19) VCF-style: chr22-17662818-A-T.
Other names: c.1334T>A, p.Met445Lys (NM_001282226.2); c.1208T>A, p.Met403Lys (NM_001282227.2, NM_001282228.2); c.974T>A, p.Met325Lys (NM_001282229.2); c.611T>A, p.Met204Lys (NM_177405.3); short protein forms M204K, M325K, M403K, M445K.
Identifiers: ClinVar variation 3377304 (VCV003377304.1).